The following is an entry in ClinVar:

ClinVar aggregate classification (germline): Likely benign. Review status: criteria provided, multiple submitters, no conflicts (2 of 4 stars). 5 submissions from 5 submitters: Likely benign (4). 1 of the submissions does not count toward it. Last evaluated 2024-11-21.

Conditions:
LAMP2-related disorder. Also called: LAMP2-related condition.
Danon disease. Also called: Glycogen Storage Disease Type IIb; ANTOPOL DISEASE; PSEUDOGLYCOGENOSIS II; GSD IIb; LYSOSOMAL GLYCOGEN STORAGE DISEASE WITHOUT ACID MALTASE DEFICIENCY. Identifiers: Orphanet 34587, MedGen C0878677, MONDO:0010281, OMIM 300257.
Cardiovascular phenotype. Identifiers: MedGen CN230736.

Allele frequency attached by ClinVar (database versions not stated): gnomAD exomes 0.00002; ExAC 0.00003; TOPMed 0.00003; gnomAD 0.00005; ESP Exome Variant Server 0.00009.
gnomAD v4.1: 29 of 1,205,951 alleles (0.0024%); highest among the groups gnomAD compares: African/African-American, 0.011%; no homozygotes.

Submissions (5):

Labcorp Genetics (formerly Invitae), Labcorp
Classification: Likely benign for Danon disease. Last evaluated: 2024-11-21. Review status: criteria provided, single submitter. Criteria: Invitae Variant Classification Sherloc (09022015). Collection method: clinical testing. Allele origin: germline.

Blueprint Genetics
Classification: Likely benign. Last evaluated: 2023-11-15. Review status: criteria provided, single submitter. Criteria: ACMG Guidelines, 2015. Collection method: clinical testing. Allele origin: germline.

Ambry Genetics
Classification: Likely benign for Cardiovascular phenotype. Last evaluated: 2022-10-09. Review status: criteria provided, single submitter. Criteria: Ambry Variant Classification Scheme 2023. Collection method: clinical testing. Allele origin: germline.

GeneDx
Classification: Likely benign. Last evaluated: 2015-12-04. Review status: criteria provided, single submitter. Criteria: GeneDx Variant Classification (06012015). Collection method: clinical testing. Allele origin: germline. Affected: yes.
Comment: This variant is considered likely benign or benign based on one or more of the following criteria: it is a conservative change, it occurs at a poorly conserved position in the protein, it is predicted to be benign by multiple in silico algorithms, and/or has population frequency not consistent with disease.

PreventionGenetics, part of Exact Sciences
Classification: Likely benign for LAMP2-related condition. Last evaluated: 2021-10-27. Review status: no assertion criteria provided. Collection method: clinical testing. Allele origin: germline. Not counted in ClinVar's aggregate classification.
Comment: This variant is classified as likely benign based on ACMG/AMP sequence variant interpretation guidelines (Richards et al. 2015 PMID: 25741868, with internal and published modifications).

NM_002294.3(LAMP2):c.771T>C (p.Asn257=)

Gene: LAMP2 (lysosome associated membrane protein 2; minus strand). Cytogenetic location: Xq24.
Variant type: single nucleotide variant.
Coding change: c.771T>C on transcript NM_002294.3 (MANE Select); coding-DNA position 771, T replaced by C.
Protein change: p.Asn257=; no amino-acid change (asparagine 257 retained).
Molecular consequence: synonymous variant.
Genome position (GRCh38, 1-based): chrX:120,446,398, A>G on the plus strand (T>C on the coding strand, the complement: LAMP2 is on the minus strand). VCF-style: chrX-120446398-A-G. GRCh37 (hg19) VCF-style: chrX-119580253-A-G.
Other names: c.771T>C, p.Asn257= (NM_001122606.1, NM_013995.2).
Identifiers: ClinVar variation 382013 (VCV000382013.10), dbSNP rs138435481, ClinGen allele CA10505254.